The following is an entry in ClinVar:

NM_015001.3(SPEN):c.4140T>C (p.Ser1380=)

Gene: SPEN (spen family transcriptional repressor; plus strand). Cytogenetic location: 1p36.13.
Variant type: single nucleotide variant.
Coding change: c.4140T>C on transcript NM_015001.3 (MANE Select); coding-DNA position 4140, T replaced by C.
Protein change: p.Ser1380=; no amino-acid change (serine 1380 retained).
Molecular consequence: synonymous variant.
Genome position (GRCh38, 1-based): chr1:15,930,380, T>C. VCF-style: chr1-15930380-T-C. GRCh37 (hg19) VCF-style: chr1-16256875-T-C.
Identifiers: ClinVar variation 3037899 (VCV003037899.2), dbSNP rs765721800, ClinGen allele CA619535.

ClinVar aggregate classification (germline): Likely benign (0 of 4 stars; one submission).

Conditions:
SPEN-related disorder. Also called: SPEN-related condition.

Allele frequency attached by ClinVar (database versions not stated): TOPMed below 0.00001; ExAC 0.00001; gnomAD 0.00001.
gnomAD v4.1: 19 of 1,613,482 alleles (0.0012%); highest among the groups gnomAD compares: Non-Finnish European, 0.0015%; no homozygotes.

Submission:

PreventionGenetics, part of Exact Sciences
Classification: Likely benign for SPEN-related condition. Last evaluated: 2019-05-02. Review status: no assertion criteria provided. Collection method: clinical testing. Allele origin: germline.
Comment: This variant is classified as likely benign based on ACMG/AMP sequence variant interpretation guidelines (Richards et al. 2015 PMID: 25741868, with internal and published modifications).